The following is an entry in ClinVar:

NM_005138.3(SCO2):c.188T>C (p.Ile63Thr)

Genes: NCAPH2 (non-SMC condensin II complex subunit H2; plus strand), SCO2 (synthesis of cytochrome C oxidase 2; minus strand). Cytogenetic location: 22q13.33.
Variant type: single nucleotide variant.
Coding change: c.188T>C on transcript NM_005138.3 (MANE Select); coding-DNA position 188, T replaced by C.
Protein change: p.Ile63Thr; replaces isoleucine 63 with threonine.
Molecular consequence: missense variant. On other transcripts: 3 prime UTR variant (2).
Genome position (GRCh38, 1-based): chr22:50,524,224, A>G on the plus strand (T>C on the coding strand, the complement: SCO2 is on the minus strand). VCF-style: chr22-50524224-A-G. GRCh37 (hg19) VCF-style: chr22-50962653-A-G.
Other names: c.*849A>G (NM_001185011.2, NM_152299.4); c.188T>C, p.Ile63Thr (NM_001169109.2, NM_001169110.1, NM_001169111.2); short protein forms I63T.
Identifiers: ClinVar variation 1942071 (VCV001942071.5), dbSNP rs2522474977, ClinGen allele CA412193747.
Genomic context (GRCh38, chr22:50,524,224, plus strand): 5'-TCCTTCTCAGCCCTCAGGGCCAGCCAGGCCCCACCGAGTCCAGCCCCGAACAGGCCTGTG[A>G]TCAGCAGCCGGGTTCGAAGCCCAGGGCCCTGGGGCTGGCCCTGCCCACCTGTCTCTGCAG-3'
Protein context (NP_005129.2, residues 53-73): QGPGLRTRLL[Ile63Thr]TGLFGAGLGG

ClinVar aggregate classification (germline): Uncertain significance (1 of 4 stars; one submission).

Submission:

Labcorp Genetics (formerly Invitae), Labcorp
Classification: Uncertain significance. Last evaluated: 2022-08-22. Review status: criteria provided, single submitter. Criteria: Invitae Variant Classification Sherloc (09022015). Collection method: clinical testing. Allele origin: germline.
Comment: In summary, the available evidence is currently insufficient to determine the role of this variant in disease. Therefore, it has been classified as a Variant of Uncertain Significance. Algorithms developed to predict the effect of missense changes on protein structure and function (SIFT, PolyPhen-2, Align-GVGD) all suggest that this variant is likely to be tolerated. This variant has not been reported in the literature in individuals affected with SCO2-related conditions. This variant is not present in population databases (gnomAD no frequency). This sequence change replaces isoleucine, which is neutral and non-polar, with threonine, which is neutral and polar, at codon 63 of the SCO2 protein (p.Ile63Thr).